The following is an entry in ClinVar:

NM_001080.3(ALDH5A1):c.1603T>A (p.Leu535Met)

Gene: ALDH5A1 (aldehyde dehydrogenase 5 family member A1; plus strand). Cytogenetic location: 6p22.3.
Variant type: single nucleotide variant.
Coding change: c.1603T>A on transcript NM_001080.3 (MANE Select); coding-DNA position 1603, T replaced by A.
Protein change: p.Leu535Met; replaces leucine 535 with methionine.
Molecular consequence: missense variant.
Genome position (GRCh38, 1-based): chr6:24,533,707, T>A. VCF-style: chr6-24533707-T-A. GRCh37 (hg19) VCF-style: chr6-24533935-T-A.
Other names: c.1459T>A, p.Leu487Met (NM_001368954.1); c.1642T>A, p.Leu548Met (NM_170740.1); short protein forms L548M, L487M, L535M.
Identifiers: ClinVar variation 1981692 (VCV001981692.3), dbSNP rs140568460, ClinGen allele CA3656975.

ClinVar aggregate classification (germline): Uncertain significance (1 of 4 stars; one submission).

Conditions:
Succinate-semialdehyde dehydrogenase deficiency (SSADHD). Also called: GABA METABOLIC DEFECT; SSADH DEFICIENCY; Succinic Semialdehyde Dehydrogenase Deficiency; 4-HYDROXYBUTYRIC ACIDURIA. Identifiers: Orphanet 22, MedGen C0268631, MONDO:0010083, OMIM 271980.

Allele frequency attached by ClinVar (database versions not stated): ExAC 0.00001; gnomAD 0.00001; gnomAD exomes 0.00001; TOPMed 0.00002; ESP Exome Variant Server 0.00008.
gnomAD v4.1: 18 of 1,613,960 alleles (0.0011%); highest among the groups gnomAD compares: Non-Finnish European, 0.0014%; no homozygotes.

Submission:

Labcorp Genetics (formerly Invitae), Labcorp
Classification: Uncertain significance for Succinate-semialdehyde dehydrogenase deficiency. Last evaluated: 2024-02-24. Review status: criteria provided, single submitter. Criteria: Invitae Variant Classification Sherloc (09022015). Collection method: clinical testing. Allele origin: germline.
Comment: This sequence change replaces leucine, which is neutral and non-polar, with methionine, which is neutral and non-polar, at codon 535 of the ALDH5A1 protein (p.Leu535Met). This variant is present in population databases (rs140568460, gnomAD 0.0009%). This variant has not been reported in the literature in individuals affected with ALDH5A1-related conditions. ClinVar contains an entry for this variant (Variation ID: 1981692). Advanced modeling of protein sequence and biophysical properties (such as structural, functional, and spatial information, amino acid conservation, physicochemical variation, residue mobility, and thermodynamic stability) performed at Invitae indicates that this missense variant is not expected to disrupt ALDH5A1 protein function with a negative predictive value of 80%. In summary, the available evidence is currently insufficient to determine the role of this variant in disease. Therefore, it has been classified as a Variant of Uncertain Significance.